The following is an entry in ClinVar:

NM_004525.3(LRP2):c.11779C>T (p.Pro3927Ser)

Gene: LRP2 (LDL receptor related protein 2; minus strand). Cytogenetic location: 2q31.1.
Variant type: single nucleotide variant.
Coding change: c.11779C>T on transcript NM_004525.3 (MANE Select); coding-DNA position 11779, C replaced by T.
Protein change: p.Pro3927Ser; replaces proline 3927 with serine.
Molecular consequence: missense variant.
Genome position (GRCh38, 1-based): chr2:169,162,580, G>A on the plus strand (C>T on the coding strand, the complement: LRP2 is on the minus strand). VCF-style: chr2-169162580-G-A. GRCh37 (hg19) VCF-style: chr2-170019090-G-A.
Other names: short protein forms P3927S.
Identifiers: ClinVar variation 1462890 (VCV001462890.7), dbSNP rs1182114073, ClinGen allele CA349139983.

ClinVar aggregate classification (germline): Uncertain significance (1 of 4 stars; one submission).

gnomAD v4.1: 1 of 1,614,114 alleles (0.000062%); highest among the groups gnomAD compares: East Asian, 0.0022%; no homozygotes.

Submission:

Labcorp Genetics (formerly Invitae), Labcorp
Classification: Uncertain significance. Last evaluated: 2025-06-12. Review status: criteria provided, single submitter. Criteria: Invitae Variant Classification Sherloc (09022015). Collection method: clinical testing. Allele origin: germline.
Comment: This sequence change replaces proline, which is neutral and non-polar, with serine, which is neutral and polar, at codon 3927 of the LRP2 protein (p.Pro3927Ser). This variant is not present in population databases (gnomAD no frequency). This variant has not been reported in the literature in individuals affected with LRP2-related conditions. ClinVar contains an entry for this variant (Variation ID: 1462890). Invitae Evidence Modeling of protein sequence and biophysical properties (such as structural, functional, and spatial information, amino acid conservation, physicochemical variation, residue mobility, and thermodynamic stability) indicates that this missense variant is expected to disrupt LRP2 protein function with a positive predictive value of 80%. In summary, the available evidence is currently insufficient to determine the role of this variant in disease. Therefore, it has been classified as a Variant of Uncertain Significance.